The following is an entry in ClinVar:

NM_000535.7(PMS2):c.804-57G>T

Gene: PMS2 (PMS1 homolog 2, mismatch repair system component; minus strand). Cytogenetic location: 7p22.1.
Variant type: single nucleotide variant.
Coding change: c.804-57G>T on transcript NM_000535.7 (MANE Select); 57 bases into the intron before coding-DNA position 804, G replaced by T.
Molecular consequence: intron variant.
Genome position (GRCh38, 1-based): chr7:5,995,690, C>A on the plus strand (G>T on the coding strand, the complement: PMS2 is on the minus strand). VCF-style: chr7-5995690-C-A. GRCh37 (hg19) VCF-style: chr7-6035321-C-A.
Other names: c.486-57G>T (NM_001322008.2, NM_001406902.1, NM_001406883.1 and 4 more transcripts); c.495-57G>T (NM_001406881.1, NM_001406879.1, NM_001322015.2 and 6 more transcripts); c.399-57G>T (NM_001406895.1, NM_001322010.2, NM_001322004.2 and 19 more transcripts); c.133-3633G>T (NM_001406911.1); c.291-57G>T (NM_001406904.1, NM_001406905.1); c.231-57G>T (NM_001322013.2, NM_001406909.1); c.-130-57G>T (NM_001322012.2, NM_001322011.2); c.468-57G>T (NM_001406885.1); and 8 more.
Identifiers: ClinVar variation 3903937 (VCV003903937.1).

ClinVar aggregate classification (germline): Benign (1 of 4 stars; one submission).

Conditions:
Lynch syndrome 4 (LYNCH4). Also called: Colorectal cancer, hereditary nonpolyposis, type 4; Hereditary non-polyposis colorectal cancer, type 4. Identifiers: Orphanet 144, MedGen C1838333, MONDO:0013699, OMIM 614337. Disease mechanism: loss of function.

Submission:

Myriad Genetics, Inc.
Classification: Benign for Lynch syndrome 4. Last evaluated: 2025-01-28. Review status: criteria provided, single submitter. Criteria: Myriad Autosomal Dominant, Autosomal Recessive and X-Linked Classification Criteria (2023). Collection method: clinical testing. Allele origin: unknown.
Comment: This variant is considered benign. This variant is intronic and is not expected to impact mRNA splicing.